The following is an entry in ClinVar:

ClinVar aggregate classification (germline): Uncertain significance (1 of 4 stars; one submission).

Submission:

Dasa
Classification: Uncertain significance. Last evaluated: 2025-11-27. Review status: criteria provided, single submitter. Criteria: DASA Assertion Criteria. Collection method: clinical testing. Allele origin: germline.
Comment: NM_015057.5(MYCBP2):c.3650A>T (p.Glu1217Val) is a missense variant that results in the substitution of glutamic acid with valine. This variant is absent from population databases. The currently available literature and clinical evidence are not sufficient to establish a definitive association between this variant and the reported condition. Therefore, this variant is classified as a variant of uncertain significance.

NM_015057.5(MYCBP2):c.3650A>T (p.Glu1217Val)

Gene: MYCBP2 (MYC binding protein 2; minus strand). Cytogenetic location: 13q22.3.
Variant type: single nucleotide variant.
Coding change: c.3650A>T on transcript NM_015057.5 (MANE Select); coding-DNA position 3650, A replaced by T.
Protein change: p.Glu1217Val; replaces glutamic acid 1217 with valine.
Molecular consequence: missense variant.
Genome position (GRCh38, 1-based): chr13:77,205,538, T>A on the plus strand (A>T on the coding strand, the complement: MYCBP2 is on the minus strand). VCF-style: chr13-77205538-T-A. GRCh37 (hg19) VCF-style: chr13-77779673-T-A.
Other names: short protein forms E1217V.
Identifiers: ClinVar variation 5020786 (VCV005020786.1).
Genomic context (GRCh38, chr13:77,205,538, plus strand): 5'-AACCTGTTTACCACACTATAATCTTCTTTAGAATAAACCTTCATTACTGCTTGAGTCTCT[T>A]CCTCTGTACTTGCAACACCCATTTTTAAGTCCTGCATAGCTGCCAAGGTATCAAGACAAC-3'
Protein context (NP_055872.4, residues 1207-1227): DLKMGVASTE[Glu1217Val]ETQAVMKVYS